The following is an entry in ClinVar:

ClinVar aggregate classification (germline): Benign/Likely benign. Review status: criteria provided, multiple submitters, no conflicts (2 of 4 stars). 4 submissions from 4 submitters: Benign (1); Likely benign (2). 1 of the submissions does not count toward it. Last evaluated 2026-01-19.

Conditions:
COQ8A-related disorder. Also called: COQ8A-related condition.
Autosomal recessive ataxia due to ubiquinone deficiency. Also called: Coenzyme Q10 deficiency, primary, 4; SPINOCEREBELLAR ATAXIA, AUTOSOMAL RECESSIVE 9. Identifiers: Orphanet 139485, MedGen C2677589, MONDO:0012784, OMIM 612016.

Allele frequency attached by ClinVar (database versions not stated): gnomAD 0.00004 and 0.00005; ExAC 0.00009; TOPMed 0.00010; gnomAD exomes 0.00017.
gnomAD v4.1: 55 of 1,614,076 alleles (0.0034%); highest among the groups gnomAD compares: Admixed American, 0.088%; 1 homozygote.

Submissions (4):

Labcorp Genetics (formerly Invitae), Labcorp
Classification: Benign. Last evaluated: 2026-01-19. Review status: criteria provided, single submitter. Criteria: Invitae Variant Classification Sherloc (09022015). Collection method: clinical testing. Allele origin: germline.

Fulgent Genetics
Classification: Likely benign for Autosomal recessive ataxia due to ubiquinone deficiency. Last evaluated: 2022-01-17. Review status: criteria provided, single submitter. Criteria: ACMG Guidelines, 2015. Collection method: clinical testing. Allele origin: unknown.

Blueprint Genetics
Classification: Likely benign. Last evaluated: 2020-10-21. Review status: criteria provided, single submitter. Criteria: ACMG Guidelines, 2015. Collection method: clinical testing. Allele origin: germline.

PreventionGenetics, part of Exact Sciences
Classification: Likely benign for COQ8A-related condition. Last evaluated: 2022-02-14. Review status: no assertion criteria provided. Collection method: clinical testing. Allele origin: germline. Not counted in ClinVar's aggregate classification.
Comment: This variant is classified as likely benign based on ACMG/AMP sequence variant interpretation guidelines (Richards et al. 2015 PMID: 25741868, with internal and published modifications).

NM_020247.5(COQ8A):c.1554C>T (p.Phe518=)

Gene: COQ8A (coenzyme Q8A; plus strand). Cytogenetic location: 1q42.13.
Variant type: single nucleotide variant.
Coding change: c.1554C>T on transcript NM_020247.5 (MANE Select); coding-DNA position 1554, C replaced by T.
Protein change: p.Phe518=; no amino-acid change (phenylalanine 518 retained).
Molecular consequence: synonymous variant.
Genome position (GRCh38, 1-based): chr1:226,984,923, C>T. VCF-style: chr1-226984923-C-T. GRCh37 (hg19) VCF-style: chr1-227172624-C-T.
Identifiers: ClinVar variation 757020 (VCV000757020.12), dbSNP rs747135135, ClinGen allele CA1425537.